The following is an entry in ClinVar:

ClinVar aggregate classification (germline): Uncertain significance (1 of 4 stars; one submission).

Conditions:
Nephronophthisis 15 (NPHP15). Identifiers: Orphanet 3156, MedGen C3541853, MONDO:0013917, OMIM 614845.

Allele frequency attached by ClinVar (database versions not stated): TOPMed below 0.00001.

Submission:

Labcorp Genetics (formerly Invitae), Labcorp
Classification: Uncertain significance for Nephronophthisis 15. Last evaluated: 2023-11-03. Review status: criteria provided, single submitter. Criteria: Invitae Variant Classification Sherloc (09022015). Collection method: clinical testing. Allele origin: germline.
Comment: This sequence change replaces valine, which is neutral and non-polar, with glycine, which is neutral and non-polar, at codon 962 of the CEP164 protein (p.Val962Gly). This variant is not present in population databases (gnomAD no frequency). This variant has not been reported in the literature in individuals affected with CEP164-related conditions. ClinVar contains an entry for this variant (Variation ID: 1467536). Advanced modeling of protein sequence and biophysical properties (such as structural, functional, and spatial information, amino acid conservation, physicochemical variation, residue mobility, and thermodynamic stability) performed at Invitae indicates that this missense variant is not expected to disrupt CEP164 protein function with a negative predictive value of 80%. In summary, the available evidence is currently insufficient to determine the role of this variant in disease. Therefore, it has been classified as a Variant of Uncertain Significance.

NM_014956.5(CEP164):c.2885T>G (p.Val962Gly)

Gene: CEP164 (centrosomal protein 164; plus strand). Cytogenetic location: 11q23.3.
Variant type: single nucleotide variant.
Coding change: c.2885T>G on transcript NM_014956.5 (MANE Select); coding-DNA position 2885, T replaced by G.
Protein change: p.Val962Gly; replaces valine 962 with glycine.
Molecular consequence: missense variant.
Genome position (GRCh38, 1-based): chr11:117,395,163, T>G. VCF-style: chr11-117395163-T-G. GRCh37 (hg19) VCF-style: chr11-117265879-T-G.
Other names: c.2894T>G, p.Val965Gly (NM_001271933.2); short protein forms V962G, V965G.
Identifiers: ClinVar variation 1467536 (VCV001467536.6), dbSNP rs2045276386, ClinGen allele CA382730423.